The following is an entry in ClinVar:

NM_000091.5(COL4A3):c.1154C>G (p.Ser385Ter)

Genes: COL4A3 (collagen type IV alpha 3 chain; plus strand), MFF-DT (MFF divergent transcript; minus strand). Cytogenetic location: 2q36.3.
Variant type: single nucleotide variant.
Coding change: c.1154C>G on transcript NM_000091.5 (MANE Select); coding-DNA position 1154, C replaced by G.
Protein change: p.Ser385Ter; replaces serine 385 with a stop codon.
Molecular consequence: nonsense.
Genome position (GRCh38, 1-based): chr2:227,263,783, C>G. VCF-style: chr2-227263783-C-G. GRCh37 (hg19) VCF-style: chr2-228128499-C-G.
Other names: short protein forms S385*.
Identifiers: ClinVar variation 3642917 (VCV003642917.2).

ClinVar aggregate classification (germline): Pathogenic (1 of 4 stars; one submission).

Submission:

Labcorp Genetics (formerly Invitae), Labcorp
Classification: Pathogenic. Last evaluated: 2024-02-23. Review status: criteria provided, single submitter. Criteria: Invitae Variant Classification Sherloc (09022015). Collection method: clinical testing. Allele origin: germline.
Comment: This sequence change creates a premature translational stop signal (p.Ser385*) in the COL4A3 gene. It is expected to result in an absent or disrupted protein product. Loss-of-function variants in COL4A3 are known to be pathogenic (PMID: 8956999, 24854265, 26809805, 27281700). This variant is not present in population databases (gnomAD no frequency). This variant has not been reported in the literature in individuals affected with COL4A3-related conditions. For these reasons, this variant has been classified as Pathogenic.

Literature cited by the submitters: PubMed 8956999; PubMed 24854265; PubMed 26809805; PubMed 27281700.